The following is an entry in ClinVar:

NM_032125.3(TMEM222):c.-4C>G

Gene: TMEM222 (transmembrane protein 222; plus strand). Cytogenetic location: 1p36.11.
Variant type: single nucleotide variant.
Coding change: c.-4C>G on transcript NM_032125.3 (MANE Select); 4 bases upstream of the start codon, C replaced by G.
Molecular consequence: 5 prime UTR variant.
Genome position (GRCh38, 1-based): chr1:27,322,194, C>G. VCF-style: chr1-27322194-C-G. GRCh37 (hg19) VCF-style: chr1-27648685-C-G.
Identifiers: ClinVar variation 3385109 (VCV003385109.1).

ClinVar aggregate classification (germline): Uncertain significance (1 of 4 stars; one submission).

gnomAD v4.1: 101 of 1,389,386 alleles (0.0073%); highest among the groups gnomAD compares: Non-Finnish European, 0.0089%; no homozygotes.

Submission:

Women's Health and Genetics/Laboratory Corporation of America, LabCorp
Classification: Uncertain significance. Last evaluated: 2024-10-31. Review status: criteria provided, single submitter. Criteria: LabCorp Variant Classification Summary - May 2015. Collection method: clinical testing. Allele origin: germline.
Comment: Variant summary: TMEM222 c.-4C>G is located in the untranslated mRNA region upstream of the initiation codon. The variant allele was found at a frequency of 4.6e-05 in 65772 control chromosomes. The available data on variant occurrences in the general population are insufficient to allow any conclusion about variant significance. To our knowledge, no occurrence of c.-4C>G in individuals affected with Neurodevelopmental Disorder With Motor And Speech Delay And Behavioral Abnormalities and no experimental evidence demonstrating its impact on protein function have been reported. No submitters have cited clinical-significance assessments for this variant to ClinVar. Based on the evidence outlined above, the variant was classified as uncertain significance.